The following is an entry in ClinVar:

ClinVar aggregate classification (germline): Pathogenic (1 of 4 stars; one submission).

Conditions:
Zellweger spectrum disorders (ZS). Also called: Zellweger Spectrum Disorder; Zellweger Spectrum; Zellweger Spectrum Disorder (ZSD); Zellweger syndrome. Identifiers: Orphanet 912, MedGen C0043459, MONDO:0019609.

Submission:

Labcorp Genetics (formerly Invitae), Labcorp
Classification: Pathogenic for Zellweger spectrum disorders. Last evaluated: 2022-03-02. Review status: criteria provided, single submitter. Criteria: Invitae Variant Classification Sherloc (09022015). Collection method: clinical testing. Allele origin: germline.
Comment: This sequence change creates a premature translational stop signal (p.Arg745Asnfs*8) in the PEX1 gene. It is expected to result in an absent or disrupted protein product. Loss-of-function variants in PEX1 are known to be pathogenic (PMID: 9398847, 16086329, 16141001, 21031596, 26387595, 31831025). For these reasons, this variant has been classified as Pathogenic. This variant has not been reported in the literature in individuals affected with PEX1-related conditions. This variant is not present in population databases (gnomAD no frequency).

Literature cited by the submitters: PubMed 9398847; PubMed 16086329; PubMed 16141001; PubMed 21031596; PubMed 26387595; PubMed 31831025.

NM_000466.3(PEX1):c.2234del (p.Arg745fs)

Gene: PEX1 (peroxisomal biogenesis factor 1; minus strand). Cytogenetic location: 7q21.2.
Variant type: Deletion.
Coding change: c.2234del on transcript NM_000466.3 (MANE Select); coding-DNA position 2234, one base deleted (G; older notation c.2234delG).
Protein change: p.Arg745fs; shifts the reading frame from arginine 745.
Molecular consequence: frameshift variant.
Genome position (GRCh38, 1-based): chr7:92,502,072, C deleted on the plus strand (G on the coding strand, the reverse complement: PEX1 is on the minus strand). VCF-style (leftmost placement, unchanged base first): chr7-92502071-TC-T. GRCh37 (hg19) VCF-style: chr7-92131385-TC-T.
Other names: c.2063del, p.Arg688fs (NM_001282677.2); c.1610del, p.Arg537fs (NM_001282678.2); short protein forms R537fs, R745fs, R688fs.
Identifiers: ClinVar variation 2100386 (VCV002100386.4), dbSNP rs2484662033, ClinGen allele CA2580077812.